The following is an entry in ClinVar:

ClinVar aggregate classification (germline): Uncertain significance (1 of 4 stars; one submission).

gnomAD v4.1: 1 of 1,612,876 alleles (0.000062%); highest among the groups gnomAD compares: Non-Finnish European, 0.000085%; no homozygotes.

Submission:

GeneDx
Classification: Uncertain significance. Last evaluated: 2024-02-27. Review status: criteria provided, single submitter. Criteria: GeneDx Variant Classification Process June 2021. Collection method: clinical testing. Allele origin: germline. Affected: yes.
Comment: Not observed at significant frequency in large population cohorts (gnomAD); In silico analysis supports that this missense variant has a deleterious effect on protein structure/function; Has not been previously published as pathogenic or benign to our knowledge

NM_017617.5(NOTCH1):c.1925T>G (p.Leu642Arg)

Gene: NOTCH1 (notch receptor 1; minus strand). Cytogenetic location: 9q34.3.
Variant type: single nucleotide variant.
Coding change: c.1925T>G on transcript NM_017617.5 (MANE Select); coding-DNA position 1925, T replaced by G.
Protein change: p.Leu642Arg; replaces leucine 642 with arginine.
Molecular consequence: missense variant.
Genome position (GRCh38, 1-based): chr9:136,515,379, A>C on the plus strand (T>G on the coding strand, the complement: NOTCH1 is on the minus strand). VCF-style: chr9-136515379-A-C. GRCh37 (hg19) VCF-style: chr9-139409831-A-C.
Other names: short protein forms L642R.
Identifiers: ClinVar variation 3369772 (VCV003369772.1).